The following is an entry in ClinVar:

NM_006846.4(SPINK5):c.2276G>A (p.Arg759His)

Gene: SPINK5 (serine peptidase inhibitor Kazal type 5; plus strand). Cytogenetic location: 5q32.
Variant type: single nucleotide variant.
Coding change: c.2276G>A on transcript NM_006846.4 (MANE Select); coding-DNA position 2276, G replaced by A.
Protein change: p.Arg759His; replaces arginine 759 with histidine.
Molecular consequence: missense variant.
Genome position (GRCh38, 1-based): chr5:148,119,021, G>A. VCF-style: chr5-148119021-G-A. GRCh37 (hg19) VCF-style: chr5-147498584-G-A.
Other names: c.2276G>A, p.Arg759His (NM_001127698.2, NM_001127699.2); short protein forms R759H.
Identifiers: ClinVar variation 459571 (VCV000459571.6), dbSNP rs781193914, ClinGen allele CA3495933.
Genomic context (GRCh38, chr5:148,119,021, plus strand): 5'-GAATATTCACTTTTTTCTCCTCCAGGGAAAGAGAAGCAGAGAGAAAAAATGAGTATTCTC[G>A]CTCCAGATCAAATGGGACTGGATCAGAATCAGGGAAGGTGAGTTATTTTTTGGGTTTTGG-3'
Protein context (NP_006837.2, residues 749-769): REAERKNEYS[Arg759His]SRSNGTGSES

ClinVar aggregate classification (germline): Uncertain significance (1 of 4 stars; one submission).

Conditions:
Netherton syndrome (NETH). Also called: NETHERTON DISEASE; ERYTHRODERMA, ICHTHYOSIFORM, WITH HYPOTRICHOSIS AND HYPER-IgE; COMEL-NETHERTON SYNDROME. Identifiers: Orphanet 634, MedGen C5574950, MONDO:0009735, OMIM 256500.

Allele frequency attached by ClinVar (database versions not stated): gnomAD 0.00003 and 0.00004; TOPMed 0.00003; gnomAD exomes 0.00006; ExAC 0.00007.
gnomAD v4.1: 63 of 1,613,814 alleles (0.0039%); highest among the groups gnomAD compares: East Asian, 0.022%; no homozygotes.

Submission:

Labcorp Genetics (formerly Invitae), Labcorp
Classification: Uncertain significance for Ichthyosis linearis circumflexa. Last evaluated: 2022-08-16. Review status: criteria provided, single submitter. Criteria: Invitae Variant Classification Sherloc (09022015). Collection method: clinical testing. Allele origin: germline.
Comment: This sequence change replaces arginine, which is basic and polar, with histidine, which is basic and polar, at codon 759 of the SPINK5 protein (p.Arg759His). This variant is present in population databases (rs781193914, gnomAD 0.02%). This variant has not been reported in the literature in individuals affected with SPINK5-related conditions. ClinVar contains an entry for this variant (Variation ID: 459571). Algorithms developed to predict the effect of missense changes on protein structure and function output the following: SIFT: "Tolerated"; PolyPhen-2: "Benign"; Align-GVGD: "Class C0". The histidine amino acid residue is found in multiple mammalian species, which suggests that this missense change does not adversely affect protein function. In summary, the available evidence is currently insufficient to determine the role of this variant in disease. Therefore, it has been classified as a Variant of Uncertain Significance.